The following is an entry in ClinVar:

NM_000548.5(TSC2):c.2743-18GT[4]

Gene: TSC2 (TSC complex subunit 2; plus strand). Cytogenetic location: 16p13.3.
Variant type: Microsatellite.
Coding change: c.2743-18GT[4] on transcript NM_000548.5 (MANE Select); four copies in a row of the 2-base unit GT starting at c.2743-18.
Molecular consequence: intron variant.
Genome position: GRCh38 VCF-style: chr16-2076472-G-GGTGT. GRCh37 (hg19) VCF-style: chr16-2126473-G-GGTGT.
Other names: c.1399-18GT[4] (NM_001406693.1, NM_001406689.1, NM_001406690.1 and 6 more transcripts); c.2833-18GT[4] (NM_001406667.1, NM_001406668.1); c.2143-18GT[4] (NM_001406680.1, NM_001406683.1, NM_001406687.1 and 6 more transcripts); c.1141-18GT[4] (NM_001406698.1); c.2743-18GT[4] (NM_001114382.3, NM_001406663.1, NM_001406664.1 and 6 more transcripts); c.2596-18GT[4] (NM_001318829.2, NM_001406679.1, NM_001406675.1 and 1 more transcripts); c.2776-18GT[4] (NM_001318832.2); c.2731-18GT[4] (NM_001406671.1, NM_001406673.1); and 3 more.
Identifiers: ClinVar variation 4071286 (VCV004071286.1).
Genomic context (GRCh38, chr16:2,076,472, plus strand): 5'-GGGGGCACCCGGCAGGCCTGGTGAGGGCCTCCAGCCCCCATTGCCACCCCTCACTGTCTG[G>GGTGT]GTGTGCTCACTCTGCCAGGGCCTGCGGTCCAATGTCCTCTTGTCTTTTGATGACACCCCC-3'

ClinVar aggregate classification (germline): Likely benign (1 of 4 stars; one submission).

Conditions:
Tuberous sclerosis 2 (TSC2). Identifiers: Orphanet 805, MedGen C1860707, MONDO:0013199, OMIM 613254.

Submission:

Myriad Genetics, Inc.
Classification: Likely benign for Tuberous sclerosis 2. Last evaluated: 2025-05-22. Review status: criteria provided, single submitter. Criteria: Myriad Autosomal Dominant, Autosomal Recessive and X-Linked Classification Criteria (2023). Collection method: clinical testing. Allele origin: unknown.
Comment: This variant is considered likely benign. This variant is intronic and is not expected to impact mRNA splicing.